The following is an entry in ClinVar:

NM_000069.3(CACNA1S):c.1758C>A (p.Asp586Glu)

Gene: CACNA1S (calcium voltage-gated channel subunit alpha1 S; minus strand). Cytogenetic location: 1q32.1.
Variant type: single nucleotide variant.
Coding change: c.1758C>A on transcript NM_000069.3 (MANE Select); coding-DNA position 1758, C replaced by A.
Protein change: p.Asp586Glu; replaces aspartic acid 586 with glutamic acid.
Molecular consequence: missense variant.
Genome position (GRCh38, 1-based): chr1:201,076,989, G>T on the plus strand (C>A on the coding strand, the complement: CACNA1S is on the minus strand). VCF-style: chr1-201076989-G-T. GRCh37 (hg19) VCF-style: chr1-201046117-G-T.
Other names: short protein forms D586E.
Identifiers: ClinVar variation 3752976 (VCV003752976.2).

ClinVar aggregate classification (germline): Uncertain significance (1 of 4 stars; one submission).

Conditions:
Hypokalemic periodic paralysis, type 1. Also called: HypoPP; Hypokalemic Periodic Paralysis Type 1 (AD). Identifiers: Orphanet 681, MedGen C3714580, MONDO:0042979, OMIM 170400.
Malignant hyperthermia, susceptibility to, 5 (MHS5). Also called: CACNA1S-Related Malignant Hyperthermia Susceptibility. Identifiers: Orphanet 423, MedGen C1866077, MONDO:0011163, OMIM 601887.

Submission:

Labcorp Genetics (formerly Invitae), Labcorp
Classification: Uncertain significance for Hypokalemic periodic paralysis, type 1; Malignant hyperthermia, susceptibility to, 5. Last evaluated: 2024-07-24. Review status: criteria provided, single submitter. Criteria: Invitae Variant Classification Sherloc (09022015). Collection method: clinical testing. Allele origin: germline.
Comment: This sequence change replaces aspartic acid, which is acidic and polar, with glutamic acid, which is acidic and polar, at codon 586 of the CACNA1S protein (p.Asp586Glu). This variant is present in population databases (rs751050573, gnomAD 0.006%). This variant has not been reported in the literature in individuals affected with CACNA1S-related conditions. Advanced modeling of protein sequence and biophysical properties (such as structural, functional, and spatial information, amino acid conservation, physicochemical variation, residue mobility, and thermodynamic stability) performed at Invitae indicates that this missense variant is not expected to disrupt CACNA1S protein function with a negative predictive value of 80%. In summary, the available evidence is currently insufficient to determine the role of this variant in disease. Therefore, it has been classified as a Variant of Uncertain Significance.